The following is an entry in ClinVar:

ClinVar aggregate classification (germline): Uncertain significance (1 of 4 stars; one submission).

Conditions:
Neurofibromatosis, type 1 (NF1). Also called: VON RECKLINGHAUSEN DISEASE; NEUROFIBROMATOSIS, TYPE I, SOMATIC; Peripheral type neurofibromatosis; Neurofibromatosis, type I. Identifiers: Orphanet 636, MedGen C0027831, MONDO:0018975, OMIM 162200. Disease mechanism: loss of function.

Allele frequency attached by ClinVar (database versions not stated): gnomAD exomes below 0.00001.
gnomAD v4.1: 2 of 1,610,018 alleles (0.00012%); highest among the groups gnomAD compares: Non-Finnish European, 0.00017%; no homozygotes.

Submission:

Labcorp Genetics (formerly Invitae), Labcorp
Classification: Uncertain significance for Neurofibromatosis, type 1. Last evaluated: 2019-04-28. Review status: criteria provided, single submitter. Criteria: Invitae Variant Classification Sherloc (09022015). Collection method: clinical testing. Allele origin: germline.
Comment: This sequence change replaces glutamic acid with aspartic acid at codon 230 of the NF1 protein (p.Glu230Asp). The glutamic acid residue is highly conserved and there is a small physicochemical difference between glutamic acid and aspartic acid. This variant is not present in population databases (ExAC no frequency). This variant has not been reported in the literature in individuals with NF1-related conditions. Algorithms developed to predict the effect of missense changes on protein structure and function are either unavailable or do not agree on the potential impact of this missense change (SIFT: "Deleterious"; PolyPhen-2: "Benign"; Align-GVGD: "Class C0"). In summary, the available evidence is currently insufficient to determine the role of this variant in disease. Therefore, it has been classified as a Variant of Uncertain Significance.

NM_001042492.3(NF1):c.690A>C (p.Glu230Asp)

Gene: NF1 (neurofibromin 1; plus strand). Cytogenetic location: 17q11.2.
Variant type: single nucleotide variant.
Coding change: c.690A>C on transcript NM_001042492.3 (MANE Select); coding-DNA position 690, A replaced by C.
Protein change: p.Glu230Asp; replaces glutamic acid 230 with aspartic acid.
Molecular consequence: missense variant.
Genome position (GRCh38, 1-based): chr17:31,181,745, A>C. VCF-style: chr17-31181745-A-C. GRCh37 (hg19) VCF-style: chr17-29508763-A-C.
Other names: c.690A>C, p.Glu230Asp (NM_000267.4, NM_001128147.3); short protein forms E230D.
Identifiers: ClinVar variation 951802 (VCV000951802.6), dbSNP rs2066138707, ClinGen allele CA398989957.